The following is an entry in ClinVar:

ClinVar aggregate classification (germline): Uncertain significance. Review status: criteria provided, multiple submitters, no conflicts (2 of 4 stars). 6 submissions from 6 submitters: Uncertain significance (5). 1 of the submissions does not count toward it. Last evaluated 2024-09-11.

Conditions:
Inborn genetic diseases. Identifiers: MedGen C0950123, MeSH D030342.
Optic atrophy. Identifiers: MedGen C0029124, MONDO:0003608, HP:0000648.

Allele frequency attached by ClinVar (database versions not stated): TOPMed 0.00034; gnomAD exomes 0.00035 and 0.00063; ESP Exome Variant Server 0.00038; gnomAD 0.00038 and 0.00041; ExAC 0.00045.
gnomAD v4.1: 963 of 1,613,442 alleles (0.06%); highest among the groups gnomAD compares: Non-Finnish European, 0.078%; 1 homozygote.

Submissions (7):

Blueprint Genetics
Classification: Uncertain significance. Last evaluated: 2024-09-11. Review status: criteria provided, single submitter. Criteria: ACMG Guidelines, 2015. Collection method: clinical testing. Allele origin: germline.

Ambry Genetics
Classification: Uncertain significance for Inborn genetic diseases. Last evaluated: 2024-08-26. Review status: criteria provided, single submitter. Criteria: Ambry Variant Classification Scheme 2023. Collection method: clinical testing. Allele origin: germline.

Labcorp Genetics (formerly Invitae), Labcorp
Classification: Uncertain significance. Last evaluated: 2022-10-05. Review status: criteria provided, single submitter. Criteria: Invitae Variant Classification Sherloc (09022015). Collection method: clinical testing. Allele origin: germline.
Comment: This sequence change replaces aspartic acid, which is acidic and polar, with tyrosine, which is neutral and polar, at codon 229 of the RTN4IP1 protein (p.Asp229Tyr). This variant is present in population databases (rs138679791, gnomAD 0.06%). This variant has not been reported in the literature in individuals affected with RTN4IP1-related conditions. ClinVar contains an entry for this variant (Variation ID: 493441). Advanced modeling of protein sequence and biophysical properties (such as structural, functional, and spatial information, amino acid conservation, physicochemical variation, residue mobility, and thermodynamic stability) performed at Invitae indicates that this missense variant is expected to disrupt RTN4IP1 protein function. Algorithms developed to predict the effect of sequence changes on RNA splicing suggest that this variant may create or strengthen a splice site. In summary, the available evidence is currently insufficient to determine the role of this variant in disease. Therefore, it has been classified as a Variant of Uncertain Significance.

CeGaT Center for Human Genetics Tuebingen
Classification: Uncertain significance. Last evaluated: 2021-10-01. Review status: criteria provided, single submitter. Criteria: CeGaT Center For Human Genetics Tuebingen Variant Classification Criteria Version 2. Collection method: clinical testing. Allele origin: germline. Affected: yes. Observed: 2 variant alleles.

Breakthrough Genomics
Classification: Uncertain significance. Review status: criteria provided, single submitter. Criteria: ACMG Guidelines, 2015. Collection method: not provided. Allele origin: germline. Inheritance: Autosomal recessive inheritance. Affected: yes.

Institute of Human Genetics, Univ. Regensburg, Univ. Regensburg
Classification: Uncertain significance for Optic atrophy. Last evaluated: 2022-01-01. Review status: no assertion criteria provided. Criteria: ACMG Guidelines, 2015. Collection method: clinical testing. Allele origin: germline. Affected: yes. Not counted in ClinVar's aggregate classification.

Dr. Peter K. Rogan Lab, Western University
No classification provided (evidence only). Condition: Clear cell carcinoma of kidney. Review status: no classification provided. Collection method: in vitro. Allele origin: not applicable. Functional consequence: retained intron. Not counted in ClinVar's aggregate classification.

NM_032730.5(RTN4IP1):c.685G>T (p.Asp229Tyr)

Gene: RTN4IP1 (reticulon 4 interacting protein 1; minus strand). Cytogenetic location: 6q21.
Variant type: single nucleotide variant.
Coding change: c.685G>T on transcript NM_032730.5 (MANE Select); coding-DNA position 685, G replaced by T.
Protein change: p.Asp229Tyr; replaces aspartic acid 229 with tyrosine.
Molecular consequence: missense variant.
Genome position (GRCh38, 1-based): chr6:106,592,285, C>A on the plus strand (G>T on the coding strand, the complement: RTN4IP1 is on the minus strand). VCF-style: chr6-106592285-C-A. GRCh37 (hg19) VCF-style: chr6-107040160-C-A.
Other names: c.385G>T, p.Asp129Tyr (NM_001318746.1); short protein forms D229Y, D129Y.
Identifiers: ClinVar variation 493441 (VCV000493441.52), dbSNP rs138679791, ClinGen allele CA3944394.